The following is an entry in ClinVar:

ClinVar aggregate classification (germline): Uncertain significance. Review status: criteria provided, multiple submitters, no conflicts (2 of 4 stars). 4 submissions from 4 submitters: Uncertain significance (4). Last evaluated 2025-07-27.

Conditions:
Seizures-scoliosis-macrocephaly syndrome. Also called: SEIZURES, SCOLIOSIS, AND MACROCEPHALY/MICROCEPHALY SYNDROME; Seizures, scoliosis, and macrocephaly syndrome. Identifiers: Orphanet 466926, MedGen C4225248, MONDO:0014731, OMIM 616682.
Exostoses, multiple, type 2 (EXT2). Also called: Hereditary Multiple Osteochondromatosis, Type II; EXOSTOSES, MULTIPLE, TYPE II. Identifiers: Orphanet 321, MedGen C1851413, MONDO:0007586, OMIM 133701.

Allele frequency attached by ClinVar (database versions not stated): gnomAD 0.00001; gnomAD exomes 0.00001; ExAC 0.00002; TOPMed 0.00002; ESP Exome Variant Server 0.00008.
gnomAD v4.1: 10 of 1,613,592 alleles (0.00062%); highest among the groups gnomAD compares: South Asian, 0.0033%; no homozygotes.

Submissions (4):

Labcorp Genetics (formerly Invitae), Labcorp
Classification: Uncertain significance for Exostoses, multiple, type 2. Last evaluated: 2025-07-27. Review status: criteria provided, single submitter. Criteria: Invitae Variant Classification Sherloc (09022015). Collection method: clinical testing. Allele origin: germline.
Comment: This sequence change replaces arginine, which is basic and polar, with cysteine, which is neutral and slightly polar, at codon 299 of the EXT2 protein (p.Arg299Cys). This variant is present in population databases (rs375468766, gnomAD 0.007%). This variant has not been reported in the literature in individuals affected with EXT2-related conditions. ClinVar contains an entry for this variant (Variation ID: 877128). Invitae Evidence Modeling of protein sequence and biophysical properties (such as structural, functional, and spatial information, amino acid conservation, physicochemical variation, residue mobility, and thermodynamic stability) has been performed for this missense variant. However, the output from this modeling did not meet the statistical confidence thresholds required to predict the impact of this variant on EXT2 protein function. In summary, the available evidence is currently insufficient to determine the role of this variant in disease. Therefore, it has been classified as a Variant of Uncertain Significance.

Fulgent Genetics
Classification: Uncertain significance for Exostoses, multiple, type 2; Seizures-scoliosis-macrocephaly syndrome. Last evaluated: 2024-05-01. Review status: criteria provided, single submitter. Criteria: ACMG Guidelines, 2015. Collection method: clinical testing. Allele origin: germline.

Illumina Laboratory Services, Illumina
Classification: Uncertain significance for Exostoses, multiple, type 2. Last evaluated: 2018-01-13. Review status: criteria provided, single submitter. Criteria: ICSL Variant Classification Criteria 13 December 2019. Collection method: clinical testing. Allele origin: germline.

Breakthrough Genomics
Classification: Uncertain significance. Review status: criteria provided, single submitter. Criteria: ACMG Guidelines, 2015. Collection method: not provided. Allele origin: germline. Inheritance: Autosomal recessive inheritance. Affected: yes.

NM_207122.2(EXT2):c.895C>T (p.Arg299Cys)

Gene: EXT2 (exostosin glycosyltransferase 2; plus strand). Cytogenetic location: 11p11.2.
Variant type: single nucleotide variant.
Coding change: c.895C>T on transcript NM_207122.2 (MANE Select); coding-DNA position 895, C replaced by T.
Protein change: p.Arg299Cys; replaces arginine 299 with cysteine.
Molecular consequence: missense variant.
Genome position (GRCh38, 1-based): chr11:44,124,940, C>T. VCF-style: chr11-44124940-C-T. GRCh37 (hg19) VCF-style: chr11-44146490-C-T.
Other names: c.994C>T, p.Arg332Cys (NM_000401.3); c.895C>T, p.Arg299Cys (NM_001178083.3, NM_001389628.1, NM_001389630.1); short protein forms R332C, R299C.
Identifiers: ClinVar variation 877128 (VCV000877128.13), dbSNP rs375468766, ClinGen allele CA5955027.